The following is an entry in ClinVar:

NM_053025.4(MYLK):c.5557C>T (p.Arg1853Cys)

Genes: MYLK (myosin light chain kinase; minus strand), MYLK-AS1 (MYLK antisense RNA 1; plus strand). Cytogenetic location: 3q21.1.
Variant type: single nucleotide variant.
Coding change: c.5557C>T on transcript NM_053025.4 (MANE Select); coding-DNA position 5557, C replaced by T.
Protein change: p.Arg1853Cys; replaces arginine 1853 with cysteine.
Molecular consequence: missense variant.
Genome position (GRCh38, 1-based): chr3:123,614,293, G>A on the plus strand (C>T on the coding strand, the complement: MYLK is on the minus strand). VCF-style: chr3-123614293-G-A. GRCh37 (hg19) VCF-style: chr3-123333140-G-A.
Other names: c.5029C>T, p.Arg1677Cys (NM_001321309.2); c.5350C>T, p.Arg1784Cys (NM_053026.4); c.5404C>T, p.Arg1802Cys (NM_053027.4); c.5197C>T, p.Arg1733Cys (NM_053028.4); c.274C>T, p.Arg92Cys (NM_053031.4); c.277C>T, p.Arg93Cys (NM_053032.4); c.5557C>T (NM_053025.3); short protein forms R1677C, R1733C, R1784C, R1802C, R1853C, R92C, R93C.
Identifiers: ClinVar variation 999240 (VCV000999240.7), dbSNP rs138364346, ClinGen allele CA073097.
Genomic context (GRCh38, chr3:123,614,293, plus strand): 5'-AAACATCACTAATAATTAAAGAGCAGTTCCCGTCCTCATCGTAGTCTATCTGGAAGTGGC[G>A]GGACTCCCTGATTGACTGGTCATCTTTGAACCAGACAACCTCGGGGTCTGGGTATCCTGC-3'
Protein context (NP_444253.3, residues 1843-1863): FKDDQSIRES[Arg1853Cys]HFQIDYDEDG

ClinVar aggregate classification (germline): Uncertain significance. Review status: criteria provided, multiple submitters, no conflicts (2 of 4 stars). 2 submissions from 2 submitters: Uncertain significance (2). Last evaluated 2022-12-09.

Conditions:
Familial thoracic aortic aneurysm and aortic dissection (TAAD). Also called: Thoracic aortic aneurysms and dissections. Identifiers: Orphanet 91387, MedGen C4707243, MONDO:0019625.
Aortic aneurysm, familial thoracic 7 (AAT7). Also called: AORTIC DISSECTION, FAMILIAL, WITH OR WITHOUT AORTIC ANEURYSM. Identifiers: MedGen C3151077, MONDO:0013418, OMIM 613780.

Allele frequency attached by ClinVar (database versions not stated): gnomAD exomes below 0.00001; ExAC 0.00002; gnomAD 0.00002; TOPMed 0.00003; ESP Exome Variant Server 0.00008.
gnomAD v4.1: 7 of 1,613,992 alleles (0.00043%); highest among the groups gnomAD compares: African/African-American, 0.004%; no homozygotes.

Submissions (2):

Ambry Genetics
Classification: Uncertain significance for Familial thoracic aortic aneurysm and aortic dissection. Last evaluated: 2022-12-09. Review status: criteria provided, single submitter. Criteria: Ambry Variant Classification Scheme 2023. Collection method: clinical testing. Allele origin: germline.
Comment: The p.R1853C variant (also known as c.5557C>T), located in coding exon 31 of the MYLK gene, results from a C to T substitution at nucleotide position 5557. The arginine at codon 1853 is replaced by cysteine, an amino acid with highly dissimilar properties. This amino acid position is conserved. In addition, the in silico prediction for this alteration is inconclusive. Since supporting evidence is limited at this time, the clinical significance of this alteration remains unclear.

Labcorp Genetics (formerly Invitae), Labcorp
Classification: Uncertain significance for Aortic aneurysm, familial thoracic 7. Last evaluated: 2021-08-31. Review status: criteria provided, single submitter. Criteria: Invitae Variant Classification Sherloc (09022015). Collection method: clinical testing. Allele origin: germline.
Comment: This sequence change replaces arginine with cysteine at codon 1853 of the MYLK protein (p.Arg1853Cys). The arginine residue is highly conserved and there is a large physicochemical difference between arginine and cysteine. This variant is present in population databases (rs138364346, ExAC 0.02%). This variant has not been reported in the literature in individuals affected with MYLK-related conditions. Algorithms developed to predict the effect of missense changes on protein structure and function are either unavailable or do not agree on the potential impact of this missense change (SIFT: "Deleterious"; PolyPhen-2: "Probably Damaging"; Align-GVGD: "Class C0"). In summary, the available evidence is currently insufficient to determine the role of this variant in disease. Therefore, it has been classified as a Variant of Uncertain Significance.